The following is an entry in ClinVar:

ClinVar aggregate classification (germline): Uncertain significance (0 of 4 stars; one submission).

Conditions:
MAGEL2-related disorder. Also called: MAGEL2-related condition.

Submission:

PreventionGenetics, part of Exact Sciences
Classification: Uncertain significance for MAGEL2-related condition. Last evaluated: 2023-12-05. Review status: no assertion criteria provided. Collection method: clinical testing. Allele origin: germline.
Comment: The MAGEL2 c.2783T>C variant is predicted to result in the amino acid substitution p.Ile928Thr. To our knowledge, this variant has not been reported in the literature or in a large population database, indicating this variant is rare. At this time, the clinical significance of this variant is uncertain due to the absence of conclusive functional and genetic evidence.

NM_019066.5(MAGEL2):c.2783T>C (p.Ile928Thr)

Gene: MAGEL2 (MAGE family member L2; minus strand). Cytogenetic location: 15q11.2.
Variant type: single nucleotide variant.
Coding change: c.2783T>C on transcript NM_019066.5 (MANE Select); coding-DNA position 2783, T replaced by C.
Protein change: p.Ile928Thr; replaces isoleucine 928 with threonine.
Molecular consequence: missense variant.
Genome position (GRCh38, 1-based): chr15:23,644,960, A>G on the plus strand (T>C on the coding strand, the complement: MAGEL2 is on the minus strand). VCF-style: chr15-23644960-A-G. GRCh37 (hg19) VCF-style: chr15-23890107-A-G.
Other names: short protein forms I928T.
Identifiers: ClinVar variation 3349346 (VCV003349346.1).